The following is an entry in ClinVar:

NM_194248.3(OTOF):c.5728G>A (p.Glu1910Lys)

Gene: OTOF (otoferlin; minus strand). Cytogenetic location: 2p23.3.
Variant type: single nucleotide variant.
Coding change: c.5728G>A on transcript NM_194248.3 (MANE Select); coding-DNA position 5728, G replaced by A.
Protein change: p.Glu1910Lys; replaces glutamic acid 1910 with lysine.
Molecular consequence: missense variant.
Genome position (GRCh38, 1-based): chr2:26,460,732, C>T on the plus strand (G>A on the coding strand, the complement: OTOF is on the minus strand). VCF-style: chr2-26460732-C-T. GRCh37 (hg19) VCF-style: chr2-26683600-C-T.
Other names: c.5728G>A, p.Glu1910Lys (NM_001287489.2); c.3427G>A, p.Glu1143Lys (NM_004802.4, NM_194323.3); c.3658G>A, p.Glu1220Lys (NM_194322.3); short protein forms E1143K, E1220K, E1910K.
Identifiers: ClinVar variation 2506118 (VCV002506118.2), dbSNP rs2465490734, ClinGen allele CA346128862.

ClinVar aggregate classification (germline): Uncertain significance. Review status: criteria provided, single submitter (1 of 4 stars). 2 submissions from 2 submitters: Uncertain significance (1). 1 of the submissions does not count toward it. Last evaluated 2023-05-12.

Conditions:
Autosomal recessive nonsyndromic hearing loss 9. Also called: NEUROSENSORY NONSYNDROMIC RECESSIVE DEAFNESS 9; OTOF-Related Hearing Loss; Deafness, autosomal recessive 9; AUDITORY NEUROPATHY, AUTOSOMAL RECESSIVE, 1, TEMPERATURE-SENSITIVE. Identifiers: Orphanet 90636, MedGen C1832828, MONDO:0010986, OMIM 601071.

Submissions (2):

Women's Health and Genetics/Laboratory Corporation of America, LabCorp
Classification: Uncertain significance. Last evaluated: 2023-05-12. Review status: criteria provided, single submitter. Criteria: LabCorp Variant Classification Summary - May 2015. Collection method: clinical testing. Allele origin: germline.
Comment: Variant summary: OTOF c.5728G>A (p.Glu1910Lys) results in a conservative amino acid change located in the ferlin, C-terminal domain (IPR032362) of the encoded protein sequence. Four of five in-silico tools predict a damaging effect of the variant on protein function. The variant was absent in 251062 control chromosomes (gnomAD). The available data on variant occurrences in the general population are insufficient to allow any conclusion about variant significance. c.5728G>A has been reported in the literature as a compound heterozygous genotype in two individuals affected with Nonsyndromic Hearing Loss And Deafness (Iwasa_2021). This report does not provide unequivocal conclusions about association of the variant with Nonsyndromic Hearing Loss And Deafness, Type 9. To our knowledge, no experimental evidence demonstrating an impact on protein function has been reported. The following publication has been ascertained in the context of this evaluation (PMID: 34536124). No clinical diagnostic laboratories have submitted clinical-significance assessments for this variant to ClinVar after 2014. Based on the evidence outlined above, the variant was classified as uncertain significance.

Diagnosis and Treatment Center of Genetic Hearing Loss, Eye & ENT Hospital of Fudan University
Classification: VUS-high for Autosomal recessive nonsyndromic hearing loss 9. Last evaluated: 2026-02-04. Review status: no assertion criteria provided. Collection method: clinical testing. Allele origin: germline. Inheritance: Autosomal recessive inheritance. Affected: yes. Not counted in ClinVar's aggregate classification.
Comment: The c.5728G>A missense variant in OTOF has been reported in one patient in trans with a likely pathogenic variant (c.[5728G>A];[5815C>T]) (PM3; PMID: 34536124). The REVEL score is 0.731 (PP3_Supporting). It is absent from population databases (PM2_Supporting). The phenotype is consistent with auditory neuropathy (PP4).

Literature cited by the submitters: PubMed 34536124 (cited by Women's Health and Genetics/Laboratory Corporation of America, LabCorp and Diagnosis and Treatment Center of Genetic Hearing Loss, Eye & ENT Hospital of Fudan University).